The following is an entry in ClinVar:

ClinVar aggregate classification (germline): Likely benign (1 of 4 stars; one submission).

Submission:

CeGaT Center for Human Genetics Tuebingen
Classification: Likely benign. Last evaluated: 2025-12-01. Review status: criteria provided, single submitter. Criteria: CeGaT Center For Human Genetics Tuebingen Variant Classification Criteria Version 2. Collection method: clinical testing. Allele origin: germline. Affected: yes. Observed: 1 variant allele.
Comment: PRR12: BP4, BP7

NM_020719.3(PRR12):c.2493G>A (p.Gly831=)

Gene: PRR12 (proline rich 12; plus strand). Cytogenetic location: 19q13.33.
Variant type: single nucleotide variant.
Coding change: c.2493G>A on transcript NM_020719.3 (MANE Select); coding-DNA position 2493, G replaced by A.
Protein change: p.Gly831=; no amino-acid change (glycine 831 retained).
Molecular consequence: synonymous variant.
Genome position (GRCh38, 1-based): chr19:49,596,828, G>A. VCF-style: chr19-49596828-G-A. GRCh37 (hg19) VCF-style: chr19-50100085-G-A.
Identifiers: ClinVar variation 4681694 (VCV004681694.5).
Genomic context (GRCh38, chr19:49,596,828, plus strand): 5'-TCCCTCTCCCAGCGCCTCCAAAGTCGGCGTCCACCTCCTTGAGCCAGCCACCCGCGATGG[G>A]GCACCCCAGCCACCTCCACCGCCACCCCCGCCTCCACCACCCATGCCCCTGCAGCTCGAG-3'
Protein context (NP_065770.1, residues 821-841): VHLLEPATRD[Gly831=]APQPPPPPPP